The following is an entry in ClinVar:

ClinVar aggregate classification (germline): Uncertain significance (1 of 4 stars; one submission).

Conditions:
Bethlem myopathy 1A. Also called: MYOPATHY, BENIGN CONGENITAL, WITH CONTRACTURES; Bethlem myopathy 1; Bethlem Muscular Dystrophy. Identifiers: Orphanet 610, MedGen CN029274, MONDO:0024530, OMIM 158810.

gnomAD v4.1: 1 of 1,614,098 alleles (0.000062%); highest among the groups gnomAD compares: Non-Finnish European, 0.000085%; no homozygotes.

Submission:

Labcorp Genetics (formerly Invitae), Labcorp
Classification: Uncertain significance for Bethlem myopathy 1A. Last evaluated: 2025-09-29. Review status: criteria provided, single submitter. Criteria: Invitae Variant Classification Sherloc (09022015). Collection method: clinical testing. Allele origin: germline.
Comment: This sequence change replaces glycine, which is neutral and non-polar, with glutamic acid, which is acidic and polar, at codon 1102 of the COL6A3 protein (p.Gly1102Glu). This variant is not present in population databases (gnomAD no frequency). This variant has not been reported in the literature in individuals affected with COL6A3-related conditions. Invitae Evidence Modeling of protein sequence and biophysical properties (such as structural, functional, and spatial information, amino acid conservation, physicochemical variation, residue mobility, and thermodynamic stability) indicates that this missense variant is expected to disrupt COL6A3 protein function with a positive predictive value of 80%. In summary, the available evidence is currently insufficient to determine the role of this variant in disease. Therefore, it has been classified as a Variant of Uncertain Significance.

NM_004369.4(COL6A3):c.3305G>A (p.Gly1102Glu)

Gene: COL6A3 (collagen type VI alpha 3 chain; minus strand). Cytogenetic location: 2q37.3.
Variant type: single nucleotide variant.
Coding change: c.3305G>A on transcript NM_004369.4 (MANE Select); coding-DNA position 3305, G replaced by A.
Protein change: p.Gly1102Glu; replaces glycine 1102 with glutamic acid.
Molecular consequence: missense variant.
Genome position (GRCh38, 1-based): chr2:237,374,786, C>T on the plus strand (G>A on the coding strand, the complement: COL6A3 is on the minus strand). VCF-style: chr2-237374786-C-T. GRCh37 (hg19) VCF-style: chr2-238283429-C-T.
Other names: c.2687G>A, p.Gly896Glu (NM_057165.5, NM_057167.4); c.1484G>A, p.Gly495Glu (NM_057166.5); c.2084G>A, p.Gly695Glu (NM_057164.5); short protein forms G1102E, G495E, G695E, G896E.
Identifiers: ClinVar variation 4808795 (VCV004808795.1).